The following is an entry in ClinVar:

ClinVar aggregate classification (germline): Uncertain significance. Review status: criteria provided, multiple submitters, no conflicts (2 of 4 stars). 2 submissions from 2 submitters: Uncertain significance (2). Last evaluated 2023-12-31.

Conditions:
Hereditary cancer-predisposing syndrome. Also called: Tumor predisposition; Hereditary Cancer Syndrome; Hereditary neoplastic syndrome; Neoplastic Syndromes, Hereditary. Identifiers: Orphanet 140162, MedGen C0027672, MeSH D009386, MONDO:0015356.
POLD1-related polyposis and colorectal cancer syndrome (CRCS10). Also called: Colorectal cancer 10; Colorectal cancer, susceptibility to, 10; COLORECTAL CANCER, SUSCEPTIBILITY TO, ON CHROMOSOME 19q. Identifiers: Orphanet 220460, MedGen C2675481, MONDO:0012953, OMIM 612591.

Submissions (2):

Labcorp Genetics (formerly Invitae), Labcorp
Classification: Uncertain significance for POLD1-related polyposis and colorectal cancer syndrome. Last evaluated: 2023-12-31. Review status: criteria provided, single submitter. Criteria: Invitae Variant Classification Sherloc (09022015). Collection method: clinical testing. Allele origin: germline.
Comment: This sequence change replaces alanine, which is neutral and non-polar, with glycine, which is neutral and non-polar, at codon 769 of the POLD1 protein (p.Ala769Gly). This variant is not present in population databases (gnomAD no frequency). This variant has not been reported in the literature in individuals affected with POLD1-related conditions. Advanced modeling of protein sequence and biophysical properties (such as structural, functional, and spatial information, amino acid conservation, physicochemical variation, residue mobility, and thermodynamic stability) performed at Invitae indicates that this missense variant is not expected to disrupt POLD1 protein function with a negative predictive value of 80%. In summary, the available evidence is currently insufficient to determine the role of this variant in disease. Therefore, it has been classified as a Variant of Uncertain Significance.

Ambry Genetics
Classification: Uncertain significance for Hereditary cancer-predisposing syndrome. Last evaluated: 2023-10-25. Review status: criteria provided, single submitter. Criteria: Ambry Variant Classification Scheme 2023. Collection method: clinical testing. Allele origin: germline.
Comment: The p.A769G variant (also known as c.2306C>G), located in coding exon 18 of the POLD1 gene, results from a C to G substitution at nucleotide position 2306. The alanine at codon 769 is replaced by glycine, an amino acid with similar properties. This amino acid position is conserved. In addition, this alteration is predicted to be tolerated by in silico analysis. Since supporting evidence is limited at this time, the clinical significance of this alteration remains unclear.

NM_002691.4(POLD1):c.2306C>G (p.Ala769Gly)

Gene: POLD1 (DNA polymerase delta 1, catalytic subunit; plus strand). Cytogenetic location: 19q13.33.
Variant type: single nucleotide variant.
Coding change: c.2306C>G on transcript NM_002691.4 (MANE Select); coding-DNA position 2306, C replaced by G.
Protein change: p.Ala769Gly; replaces alanine 769 with glycine.
Molecular consequence: missense variant. On other transcripts: non-coding transcript variant (1).
Genome position (GRCh38, 1-based): chr19:50,413,797, C>G. VCF-style: chr19-50413797-C-G. GRCh37 (hg19) VCF-style: chr19-50917054-C-G.
Other names: c.2306C>G (NM_002691.2); c.2306C>G, p.Ala769Gly (NM_001256849.1); c.2384C>G, p.Ala795Gly (NM_001308632.1); short protein forms A795G, A769G.
Identifiers: ClinVar variation 2699579 (VCV002699579.4), dbSNP rs2122448449, ClinGen allele CA406984111.
Genomic context (GRCh38, chr19:50,413,797, plus strand): 5'-CGCAGGTGGTGTATGGTGACACTGACTCCGTCATGTGCCGATTCGGCGTGTCCTCGGTGG[C>G]TGAGGCGATGGCCCTGGGGCGGGAGGCCGCGGACTGGGTGTCAGGTCACTTCCCGTCGCC-3'
Protein context (NP_002682.2, residues 759-779): VMCRFGVSSV[Ala769Gly]EAMALGREAA